The following is an entry in ClinVar:

NM_004380.3(CREBBP):c.3167A>T (p.Lys1056Ile)

Gene: CREBBP (CREB binding lysine acetyltransferase; minus strand). Cytogenetic location: 16p13.3.
Variant type: single nucleotide variant.
Coding change: c.3167A>T on transcript NM_004380.3 (MANE Select); coding-DNA position 3167, A replaced by T.
Protein change: p.Lys1056Ile; replaces lysine 1056 with isoleucine.
Molecular consequence: missense variant.
Genome position (GRCh38, 1-based): chr16:3,767,803, T>A on the plus strand (A>T on the coding strand, the complement: CREBBP is on the minus strand). VCF-style: chr16-3767803-T-A. GRCh37 (hg19) VCF-style: chr16-3817804-T-A.
Other names: c.3053A>T, p.Lys1018Ile (NM_001079846.1); short protein forms K1018I, K1056I.
Identifiers: ClinVar variation 3359582 (VCV003359582.2).

ClinVar aggregate classification (germline): Uncertain significance. Review status: criteria provided, multiple submitters, no conflicts (2 of 4 stars). 2 submissions from 2 submitters: Uncertain significance (2). Last evaluated 2025-06-29.

Conditions:
Rubinstein-Taybi syndrome (RSTS). Identifiers: Orphanet 783, MedGen C0035934, MONDO:0019188.

Submissions (2):

Labcorp Genetics (formerly Invitae), Labcorp
Classification: Uncertain significance for Rubinstein-Taybi syndrome. Last evaluated: 2025-06-29. Review status: criteria provided, single submitter. Criteria: Invitae Variant Classification Sherloc (09022015). Collection method: clinical testing. Allele origin: germline.
Comment: This sequence change replaces lysine, which is basic and polar, with isoleucine, which is neutral and non-polar, at codon 1056 of the CREBBP protein (p.Lys1056Ile). This variant is not present in population databases (gnomAD no frequency). This variant has not been reported in the literature in individuals affected with CREBBP-related conditions. ClinVar contains an entry for this variant (Variation ID: 3359582). Invitae Evidence Modeling of protein sequence and biophysical properties (such as structural, functional, and spatial information, amino acid conservation, physicochemical variation, residue mobility, and thermodynamic stability) indicates that this missense variant is not expected to disrupt CREBBP protein function with a negative predictive value of 95%. In summary, the available evidence is currently insufficient to determine the role of this variant in disease. Therefore, it has been classified as a Variant of Uncertain Significance.

GeneDx
Classification: Uncertain significance. Last evaluated: 2023-06-06. Review status: criteria provided, single submitter. Criteria: GeneDx Variant Classification Process June 2021. Collection method: clinical testing. Allele origin: germline. Affected: yes.
Comment: Not observed at significant frequency in large population cohorts (gnomAD); In silico analysis supports that this missense variant has a deleterious effect on protein structure/function; Has not been previously published as pathogenic or benign to our knowledge